The following is an entry in ClinVar:

ClinVar aggregate classification (germline): Pathogenic (1 of 4 stars; one submission).

Conditions:
Hereditary cancer-predisposing syndrome. Also called: Hereditary neoplastic syndrome; Tumor predisposition; Hereditary Cancer Syndrome; Neoplastic Syndromes, Hereditary. Identifiers: Orphanet 140162, MedGen C0027672, MeSH D009386, MONDO:0015356.

Submission:

Color Diagnostics, LLC DBA Color Health
Classification: Pathogenic for Hereditary cancer-predisposing syndrome. Last evaluated: 2020-03-19. Review status: criteria provided, single submitter. Criteria: ACMG Guidelines, 2015. Collection method: clinical testing. Allele origin: germline.
Comment: This variant deletes 1 nucleotide in exon 4 of the PALB2 gene, creating a frameshift and premature translation stop signal. This variant is expected to result in an absent or non-functional protein product. To our knowledge, this variant has not been reported in individuals affected with hereditary cancer in the literature. This variant has not been identified in the general population by the Genome Aggregation Database (gnomAD). Loss of PALB2 function is a known mechanism of disease. Based on the available evidence, this variant is classified as Pathogenic.

NM_024675.4(PALB2):c.667del (p.Ile223fs)

Gene: PALB2 (partner and localizer of BRCA2; minus strand). Cytogenetic location: 16p12.2.
Variant type: Deletion.
Coding change: c.667del on transcript NM_024675.4 (MANE Select); coding-DNA position 667, one base deleted (A; older notation c.667delA).
Protein change: p.Ile223fs; shifts the reading frame from isoleucine 223.
Molecular consequence: frameshift variant.
Genome position (GRCh38, 1-based): chr16:23,635,879, T deleted on the plus strand (A on the coding strand, the reverse complement: PALB2 is on the minus strand); the first of 2 consecutive T bases (chr16:23,635,879-23,635,880); deleting either gives the same sequence. VCF-style (leftmost placement, unchanged base first): chr16-23635878-AT-A. GRCh37 (hg19) VCF-style: chr16-23647199-AT-A.
Other names: short protein forms I223fs.
Identifiers: ClinVar variation 492228 (VCV000492228.4), dbSNP rs1555461684, ClinGen allele CA658683920.